The following is an entry in ClinVar:

ClinVar aggregate classification (germline): Uncertain significance. Review status: criteria provided, multiple submitters, no conflicts (2 of 4 stars). 3 submissions from 3 submitters: Uncertain significance (3). Last evaluated 2025-05-07.

Conditions:
Hereditary nonpolyposis colorectal neoplasms. Identifiers: MedGen C0009405, MeSH D003123.
Hereditary cancer-predisposing syndrome. Also called: Hereditary neoplastic syndrome; Tumor predisposition; Neoplastic Syndromes, Hereditary; Hereditary Cancer Syndrome. Identifiers: Orphanet 140162, MedGen C0027672, MeSH D009386, MONDO:0015356.

Submissions (3):

Ambry Genetics
Classification: Uncertain significance for Hereditary cancer-predisposing syndrome. Last evaluated: 2025-05-07. Review status: criteria provided, single submitter. Criteria: Ambry Variant Classification Scheme 2023. Collection method: clinical testing. Allele origin: germline.
Comment: The p.D699E variant (also known as c.2097C>G), located in coding exon 12 of the PMS2 gene, results from a C to G substitution at nucleotide position 2097. The aspartic acid at codon 699 is replaced by glutamic acid, an amino acid with highly similar properties. This amino acid position is highly conserved in available vertebrate species. In addition, this alteration is predicted to be deleterious by in silico analysis. Based on the available evidence, the clinical significance of this variant remains unclear.

Labcorp Genetics (formerly Invitae), Labcorp
Classification: Uncertain significance for Hereditary nonpolyposis colorectal neoplasms. Last evaluated: 2025-02-27. Review status: criteria provided, single submitter. Criteria: Invitae Variant Classification Sherloc (09022015). Collection method: clinical testing. Allele origin: germline.
Comment: This sequence change replaces aspartic acid, which is acidic and polar, with glutamic acid, which is acidic and polar, at codon 699 of the PMS2 protein (p.Asp699Glu). The frequency data for this variant in the population databases (gnomAD) is considered unreliable due to the presence of homologous sequence, such as pseudogenes or paralogs, in the genome. This variant has not been reported in the literature in individuals affected with PMS2-related conditions. ClinVar contains an entry for this variant (Variation ID: 418890). Invitae Evidence Modeling incorporating data from in vitro experimental studies (internal data) indicates that this missense variant is not expected to disrupt PMS2 function with a negative predictive value of 95%. This variant disrupts the p.Asp699 amino acid residue in PMS2. Other variant(s) that disrupt this residue have been determined to be pathogenic (PMID: 20205264, 23012243, 23729388, 28494185, 28514183; internal data). This suggests that this residue is clinically significant, and that variants that disrupt this residue are likely to be disease-causing. In summary, the available evidence is currently insufficient to determine the role of this variant in disease. Therefore, it has been classified as a Variant of Uncertain Significance.

GeneDx
Classification: Uncertain significance. Last evaluated: 2015-04-15. Review status: criteria provided, single submitter. Criteria: GeneDx Variant Classification (06012015). Collection method: clinical testing. Allele origin: germline. Affected: yes.
Comment: This variant is denoted PMS2 c.2097C>G at the cDNA level, p.Asp699Glu (D699E) at the protein level, and results in the change of an Aspartic Acid to a Glutamic Acid (GAC>GAG). This variant has not, to our knowledge, been published in the literature as pathogenic or benign. PMS2 Asp699Glu was not observed in approximately 6,500 individuals of European and African American ancestry in the NHLBI Exome Sequencing Project, indicating it is not a common benign variant in these populations. Since Aspartic Acid and Glutamic Acid share similar properties, this is considered a conservative amino acid substitution. PMS2 Asp699Glu occurs at a position that is conserved across species and is located within the Nuclease domain (Fukui 2011). In silico analyses predict that this variant is probably damaging to protein structure and function. Based on currently available information, it is unclear whether PMS2 Asp699Glu is pathogenic or benign. We consider it to be a variant of uncertain significance.

Literature cited by the submitters: PubMed 20205264 (cited by Labcorp Genetics (formerly Invitae), Labcorp); PubMed 23012243 (cited by Labcorp Genetics (formerly Invitae), Labcorp); PubMed 23729388 (cited by Labcorp Genetics (formerly Invitae), Labcorp); PubMed 28494185 (cited by Labcorp Genetics (formerly Invitae), Labcorp); PubMed 28514183 (cited by Labcorp Genetics (formerly Invitae), Labcorp).

NM_000535.7(PMS2):c.2097C>G (p.Asp699Glu)

Gene: PMS2 (PMS1 homolog 2, mismatch repair system component; minus strand). Cytogenetic location: 7p22.1.
Variant type: single nucleotide variant.
Coding change: c.2097C>G on transcript NM_000535.7 (MANE Select); coding-DNA position 2097, C replaced by G.
Protein change: p.Asp699Glu; replaces aspartic acid 699 with glutamic acid.
Molecular consequence: missense variant. On other transcripts: non-coding transcript variant (1).
Genome position (GRCh38, 1-based): chr7:5,982,901, G>C on the plus strand (C>G on the coding strand, the complement: PMS2 is on the minus strand). VCF-style: chr7-5982901-G-C. GRCh37 (hg19) VCF-style: chr7-6022532-G-C.
Other names: c.1692C>G, p.Asp564Glu (NM_001322003.2, NM_001322004.2, NM_001322005.2 and 1 more transcripts); c.1941C>G, p.Asp647Glu (NM_001322006.2); c.1779C>G, p.Asp593Glu (NM_001322007.2, NM_001322008.2); c.1536C>G, p.Asp512Glu (NM_001322010.2); c.1164C>G, p.Asp388Glu (NM_001322011.2, NM_001322012.2); c.1524C>G, p.Asp508Glu (NM_001322013.2); c.2097C>G, p.Asp699Glu (NM_001322014.2); c.1788C>G, p.Asp596Glu (NM_001322015.2); short protein forms D699E, D508E, D564E, D596E, D512E, D593E, D647E, D388E.
Identifiers: ClinVar variation 418890 (VCV000418890.15), dbSNP rs1064793501, ClinGen allele CA16618492.
Genomic context (GRCh38, chr7:5,982,901, plus strand): 5'-CTGGAGCACGGTGTGCTGCTGCAGCATCTCGAAGTTATACTTCTCGTCCGTGGCATGCTG[G>C]TCCACTATGAAGATATCCTCATTCAGTTTGGTTATTATAAATCCCAGGTTAAACTGACCA-3'
Protein context (NP_000526.2, residues 689-709): TKLNEDIFIV[Asp699Glu]QHATDEKYNF